The following is an entry in ClinVar:

NM_144773.4(PROKR2):c.337T>C (p.Tyr113His)

Gene: PROKR2 (prokineticin receptor 2; minus strand). Cytogenetic location: 20p12.3.
Variant type: single nucleotide variant.
Coding change: c.337T>C on transcript NM_144773.4 (MANE Select); coding-DNA position 337, T replaced by C.
Protein change: p.Tyr113His; replaces tyrosine 113 with histidine.
Molecular consequence: missense variant.
Genome position (GRCh38, 1-based): chr20:5,314,033, A>G on the plus strand (T>C on the coding strand, the complement: PROKR2 is on the minus strand). VCF-style: chr20-5314033-A-G. GRCh37 (hg19) VCF-style: chr20-5294679-A-G.
Other names: short protein forms Y113H.
Identifiers: ClinVar variation 338862 (VCV000338862.12), dbSNP rs202203360, ClinGen allele CA9754374.
Genomic context (GRCh38, chr20:5,314,033, plus strand): 5'-AGTTGACGGAGGCACAGAGCACGTGGCCATGCTCCCAGGAGAGCTGCCGTACCACGTAGT[A>G]GTCCATCTCGAAGGGGCAGCAGATGATGGCCACCAGGAAGTCGGAGATGGCCAGGTTGGC-3'
Protein context (NP_658986.1, residues 103-123): AIICCPFEMD[Tyr113His]YVVRQLSWEH

ClinVar aggregate classification (germline): Conflicting classifications of pathogenicity. Review status: criteria provided, conflicting classifications (1 of 4 stars). 5 submissions from 5 submitters: Likely pathogenic (1); Uncertain significance (3); Likely benign (1). Last evaluated 2025-10-09.

Conditions:
Hypogonadotropic hypogonadism 3 with or without anosmia (HH3). Also called: HYPOGONADOTROPIC HYPOGONADISM 3 WITH ANOSMIA; PROKR2-Related GnRH Deficiency (Kallmann Syndrome 3). Identifiers: Orphanet 478, MedGen C3550478, MONDO:0009482, OMIM 244200.

Allele frequency attached by ClinVar (database versions not stated): gnomAD 0.00004 and 0.00007; gnomAD exomes 0.00004 and 0.00012; TOPMed 0.00009; ExAC 0.00014; 1000 Genomes Project 30x 0.00047; 1000 Genomes Project 0.00060.

Submissions (5):

Labcorp Genetics (formerly Invitae), Labcorp
Classification: Likely pathogenic. Last evaluated: 2025-10-09. Review status: criteria provided, single submitter. Criteria: Invitae Variant Classification Sherloc (09022015). Collection method: clinical testing. Allele origin: germline.
Comment: This sequence change replaces tyrosine, which is neutral and polar, with histidine, which is basic and polar, at codon 113 of the PROKR2 protein (p.Tyr113His). This variant is present in population databases (rs202203360, gnomAD 0.2%). This missense change has been observed in individuals with clinical features of Kallmann syndrome (PMID: 18559922, 26031747, 28858133, 30576231, 32400067, 33411215, 34348883, 35090434, 35922219). ClinVar contains an entry for this variant (Variation ID: 338862). Invitae Evidence Modeling of protein sequence and biophysical properties (such as structural, functional, and spatial information, amino acid conservation, physicochemical variation, residue mobility, and thermodynamic stability) indicates that this missense variant is expected to disrupt PROKR2 protein function with a positive predictive value of 80%. Experimental studies have shown that this missense change affects PROKR2 function (PMID: 18559922, 24830383, 29161432). In summary, the currently available evidence indicates that the variant is pathogenic, but additional data are needed to prove that conclusively. Therefore, this variant has been classified as Likely Pathogenic.

Fulgent Genetics
Classification: Uncertain significance for Hypogonadotropic hypogonadism 3 with or without anosmia. Last evaluated: 2024-05-16. Review status: criteria provided, single submitter. Criteria: ACMG Guidelines, 2015. Collection method: clinical testing. Allele origin: germline.

Mendelics
Classification: Uncertain significance. Last evaluated: 2022-05-04. Review status: criteria provided, single submitter. Criteria: Mendelics Assertion Criteria 2019. Collection method: clinical testing. Allele origin: germline.

Illumina Laboratory Services, Illumina
Classification: Likely benign for Hypogonadotropic hypogonadism 3 with or without anosmia. Last evaluated: 2017-04-28. Review status: criteria provided, single submitter. Criteria: ICSL Variant Classification Criteria 13 December 2019. Collection method: clinical testing. Allele origin: germline.
Comment: This variant was observed as part of a predisposition screen in an ostensibly healthy population. A literature search was performed for the gene, cDNA change, and amino acid change (where applicable). Publications were found based on this search. The evidence from the literature, in combination with allele frequency data from public databases where available, was sufficient to determine this variant is unlikely to cause disease. Therefore, this variant is classified as likely benign.

Juno Genomics, Hangzhou Juno Genomics, Inc
Classification: Uncertain significance for Hypogonadotropic hypogonadism 3 with or without anosmia. Review status: criteria provided, single submitter. Criteria: ACMG Guidelines, 2015. Collection method: clinical testing. Allele origin: germline.
Comment: Well-established in vitro or in vivo functional studies supportive of a damaging effect on the gene or gene product.

Literature cited by the submitters: PubMed 18559922 (cited by Labcorp Genetics (formerly Invitae), Labcorp and Illumina Laboratory Services, Illumina); PubMed 26031747 (cited by Labcorp Genetics (formerly Invitae), Labcorp and Illumina Laboratory Services, Illumina); PubMed 28858133 (cited by Labcorp Genetics (formerly Invitae), Labcorp); PubMed 30576231 (cited by Labcorp Genetics (formerly Invitae), Labcorp); PubMed 32400067 (cited by Labcorp Genetics (formerly Invitae), Labcorp); PubMed 33411215 (cited by Labcorp Genetics (formerly Invitae), Labcorp); PubMed 34348883 (cited by Labcorp Genetics (formerly Invitae), Labcorp); PubMed 35090434 (cited by Labcorp Genetics (formerly Invitae), Labcorp); PubMed 35922219 (cited by Labcorp Genetics (formerly Invitae), Labcorp); PubMed 24830383 (cited by Labcorp Genetics (formerly Invitae), Labcorp); PubMed 29161432 (cited by Labcorp Genetics (formerly Invitae), Labcorp); PubMed 1855992 (cited by Illumina Laboratory Services, Illumina); PubMed 23596439 (cited by Illumina Laboratory Services, Illumina).